The following is an entry in ClinVar:

NM_001007527.2(LMBRD2):c.671T>C (p.Met224Thr)

Gene: LMBRD2 (LMBR1 domain containing 2; minus strand). Cytogenetic location: 5p13.2.
Variant type: single nucleotide variant.
Coding change: c.671T>C on transcript NM_001007527.2 (MANE Select); coding-DNA position 671, T replaced by C.
Protein change: p.Met224Thr; replaces methionine 224 with threonine.
Molecular consequence: missense variant.
Genome position (GRCh38, 1-based): chr5:36,136,385, A>G on the plus strand (T>C on the coding strand, the complement: LMBRD2 is on the minus strand). VCF-style: chr5-36136385-A-G. GRCh37 (hg19) VCF-style: chr5-36136487-A-G.
Other names: c.671T>C (NM_001007527.1); short protein forms M224T.
Identifiers: ClinVar variation 1515907 (VCV001515907.7), dbSNP rs1299574018, ClinGen allele CA359451957.

ClinVar aggregate classification (germline): Uncertain significance. Review status: criteria provided, multiple submitters, no conflicts (2 of 4 stars). 2 submissions from 2 submitters: Uncertain significance (2). Last evaluated 2024-10-01.

Conditions:
Inborn genetic diseases. Identifiers: MedGen C0950123, MeSH D030342.

Allele frequency attached by ClinVar (database versions not stated): gnomAD 0.00001; TOPMed 0.00001.
gnomAD v4.1: 2 of 1,614,102 alleles (0.00012%); highest among the groups gnomAD compares: African/African-American, 0.0013%; no homozygotes.

Submissions (2):

Ambry Genetics
Classification: Uncertain significance for Inborn genetic diseases. Last evaluated: 2024-10-01. Review status: criteria provided, single submitter. Criteria: Ambry Variant Classification Scheme 2023. Collection method: clinical testing. Allele origin: germline.

Labcorp Genetics (formerly Invitae), Labcorp
Classification: Uncertain significance. Last evaluated: 2021-03-12. Review status: criteria provided, single submitter. Criteria: Invitae Variant Classification Sherloc (09022015). Collection method: clinical testing. Allele origin: germline.
Comment: This sequence change replaces methionine with threonine at codon 224 of the LMBRD2 protein (p.Met224Thr). The methionine residue is moderately conserved and there is a moderate physicochemical difference between methionine and threonine. This variant is not present in population databases (ExAC no frequency). This variant has not been reported in the literature in individuals with LMBRD2-related conditions. Algorithms developed to predict the effect of missense changes on protein structure and function (SIFT, PolyPhen-2, Align-GVGD) all suggest that this variant is likely to be tolerated, but these predictions have not been confirmed by published functional studies and their clinical significance is uncertain. In summary, the available evidence is currently insufficient to determine the role of this variant in disease. Therefore, it has been classified as a Variant of Uncertain Significance.